The following is an entry in ClinVar:

ClinVar aggregate classification (germline): Uncertain significance (1 of 4 stars; one submission).

Conditions:
Nemaline myopathy 9 (NEM9). Identifiers: MedGen C3810384, MONDO:0014326, OMIM 615731.

gnomAD v4.1: 2 of 1,614,106 alleles (0.00012%); highest among the groups gnomAD compares: Non-Finnish European, 0.00017%; no homozygotes.

Submission:

Labcorp Genetics (formerly Invitae), Labcorp
Classification: Uncertain significance for Nemaline myopathy 9. Last evaluated: 2022-10-23. Review status: criteria provided, single submitter. Criteria: Invitae Variant Classification Sherloc (09022015). Collection method: clinical testing. Allele origin: germline.
Comment: This variant is not present in population databases (gnomAD no frequency). In summary, the available evidence is currently insufficient to determine the role of this variant in disease. Therefore, it has been classified as a Variant of Uncertain Significance. Advanced modeling of protein sequence and biophysical properties (such as structural, functional, and spatial information, amino acid conservation, physicochemical variation, residue mobility, and thermodynamic stability) performed at Invitae indicates that this missense variant is not expected to disrupt KLHL41 protein function. This variant has not been reported in the literature in individuals affected with KLHL41-related conditions. This sequence change replaces isoleucine, which is neutral and non-polar, with asparagine, which is neutral and polar, at codon 180 of the KLHL41 protein (p.Ile180Asn).

NM_006063.3(KLHL41):c.539T>A (p.Ile180Asn)

Gene: KLHL41 (kelch like family member 41; plus strand). Cytogenetic location: 2q31.1.
Variant type: single nucleotide variant.
Coding change: c.539T>A on transcript NM_006063.3 (MANE Select); coding-DNA position 539, T replaced by A.
Protein change: p.Ile180Asn; replaces isoleucine 180 with asparagine.
Molecular consequence: missense variant.
Genome position (GRCh38, 1-based): chr2:169,510,317, T>A. VCF-style: chr2-169510317-T-A. GRCh37 (hg19) VCF-style: chr2-170366827-T-A.
Other names: short protein forms I180N.
Identifiers: ClinVar variation 2191835 (VCV002191835.4), dbSNP rs1188516468, ClinGen allele CA349175594.
Genomic context (GRCh38, chr2:169,510,317, plus strand): 5'-ATCGCTTTGTACAGATTTGTAAGGAAGAGGACTTTATGCAACTGTCTCCACAGGAACTGA[T>A]CTCAGTCATTTCAAATGACAGCCTAAATGTAGAAAAAGAAGAAGCAGTATTTGAGGCAGT-3'
Protein context (NP_006054.2, residues 170-190): DFMQLSPQEL[Ile180Asn]SVISNDSLNV